The following is an entry in ClinVar:

ClinVar aggregate classification (germline): Uncertain significance (1 of 4 stars; one submission).

Conditions:
Hereditary spastic paraplegia. Also called: Familial spastic paraparesis. Identifiers: Orphanet 685, MedGen C0037773, MONDO:0019064. Disease mechanism: loss of function.

Allele frequency attached by ClinVar (database versions not stated): gnomAD 0.00003 and 0.00004; gnomAD exomes 0.00004 and 0.00007; TOPMed 0.00005; ExAC 0.00006.
gnomAD v4.1: 61 of 1,610,730 alleles (0.0038%); highest among the groups gnomAD compares: Admixed American, 0.027%; no homozygotes.

Submission:

Labcorp Genetics (formerly Invitae), Labcorp
Classification: Uncertain significance for Hereditary spastic paraplegia. Last evaluated: 2024-02-16. Review status: criteria provided, single submitter. Criteria: Invitae Variant Classification Sherloc (09022015). Collection method: clinical testing. Allele origin: germline.
Comment: This sequence change replaces arginine, which is basic and polar, with glutamine, which is neutral and polar, at codon 991 of the USP8 protein (p.Arg991Gln). This variant is present in population databases (rs755050919, gnomAD 0.04%). This variant has not been reported in the literature in individuals affected with USP8-related conditions. ClinVar contains an entry for this variant (Variation ID: 1368906). An algorithm developed to predict the effect of missense changes on protein structure and function (PolyPhen-2) suggests that this variant is likely to be tolerated. In summary, the available evidence is currently insufficient to determine the role of this variant in disease. Therefore, it has been classified as a Variant of Uncertain Significance.

NM_005154.5(USP8):c.2972G>A (p.Arg991Gln)

Genes: USP8 (ubiquitin specific peptidase 8; plus strand), USP50 (ubiquitin specific peptidase 50; minus strand). Cytogenetic location: 15q21.2.
Variant type: single nucleotide variant.
Coding change: c.2972G>A on transcript NM_005154.5 (MANE Select); coding-DNA position 2972, G replaced by A.
Protein change: p.Arg991Gln; replaces arginine 991 with glutamine.
Molecular consequence: missense variant.
Genome position (GRCh38, 1-based): chr15:50,497,165, G>A. VCF-style: chr15-50497165-G-A. GRCh37 (hg19) VCF-style: chr15-50789362-G-A.
Other names: c.2972G>A, p.Arg991Gln (NM_001128610.3); c.2654G>A, p.Arg885Gln (NM_001283049.2); short protein forms R991Q, R885Q.
Identifiers: ClinVar variation 1368906 (VCV001368906.8), dbSNP rs755050919, ClinGen allele CA7556126.
Genomic context (GRCh38, chr15:50,497,165, plus strand): 5'-TTTCCAAAGAAGAAAAACTCACAGATAACAACAGATTTTACTGCAGTCATTGCAGAGCTC[G>A]ACGGGATTCTCTAAAAAAGATAGAAATCTGGAAGTTACCACCTGTGCTTTTAGTGCATCT-3'
Protein context (NP_005145.3, residues 981-1001): NRFYCSHCRA[Arg991Gln]RDSLKKIEIW